The following is an entry in ClinVar:

NM_198999.3(SLC26A5):c.1828G>A (p.Glu610Lys)

Gene: SLC26A5 (solute carrier family 26 member 5; minus strand). Cytogenetic location: 7q22.1.
Variant type: single nucleotide variant.
Coding change: c.1828G>A on transcript NM_198999.3 (MANE Select); coding-DNA position 1828, G replaced by A.
Protein change: p.Glu610Lys; replaces glutamic acid 610 with lysine.
Molecular consequence: missense variant. On other transcripts: non-coding transcript variant (5), intron variant (2).
Genome position (GRCh38, 1-based): chr7:103,377,757, C>T on the plus strand (G>A on the coding strand, the complement: SLC26A5 is on the minus strand). VCF-style: chr7-103377757-C-T. GRCh37 (hg19) VCF-style: chr7-103018204-C-T.
Other names: c.1732G>A, p.Glu578Lys (NM_001167962.2, NM_001321787.2); c.1828G>A, p.Glu610Lys (NM_206883.3); c.971+20175G>A (NM_206885.3); c.1514+11251G>A (NM_206884.3); short protein forms E610K, E578K.
Identifiers: ClinVar variation 501578 (VCV000501578.14), dbSNP rs148538056, ClinGen allele CA4419379.

ClinVar aggregate classification (germline): Conflicting classifications of pathogenicity. Review status: criteria provided, conflicting classifications (1 of 4 stars). 5 submissions from 5 submitters: Uncertain significance (4); Likely benign (1). Last evaluated 2025-08-13.

Conditions:
Inborn genetic diseases. Identifiers: MedGen C0950123, MeSH D030342.

Allele frequency attached by ClinVar (database versions not stated): gnomAD exomes 0.00002 and 0.00003; TOPMed 0.00002; ExAC 0.00003; gnomAD 0.00004 and 0.00005; 1000 Genomes Project 30x 0.00031; 1000 Genomes Project 0.00040.
gnomAD v4.1: 64 of 1,614,094 alleles (0.004%); highest among the groups gnomAD compares: Middle Eastern, 0.099%; 2 homozygotes.

Submissions (5):

Ambry Genetics
Classification: Uncertain significance for Inborn genetic diseases. Last evaluated: 2025-08-13. Review status: criteria provided, single submitter. Criteria: Ambry Variant Classification Scheme 2023. Collection method: clinical testing. Allele origin: germline.

Labcorp Genetics (formerly Invitae), Labcorp
Classification: Uncertain significance. Last evaluated: 2022-08-06. Review status: criteria provided, single submitter. Criteria: Invitae Variant Classification Sherloc (09022015). Collection method: clinical testing. Allele origin: germline.
Comment: This sequence change replaces glutamic acid, which is acidic and polar, with lysine, which is basic and polar, at codon 610 of the SLC26A5 protein (p.Glu610Lys). This variant is present in population databases (rs148538056, gnomAD 0.008%). This variant has not been reported in the literature in individuals affected with SLC26A5-related conditions. ClinVar contains an entry for this variant (Variation ID: 501578). Advanced modeling of protein sequence and biophysical properties (such as structural, functional, and spatial information, amino acid conservation, physicochemical variation, residue mobility, and thermodynamic stability) performed at Invitae indicates that this missense variant is not expected to disrupt SLC26A5 protein function. In summary, the available evidence is currently insufficient to determine the role of this variant in disease. Therefore, it has been classified as a Variant of Uncertain Significance.

GeneDx
Classification: Likely benign. Last evaluated: 2020-01-17. Review status: criteria provided, single submitter. Criteria: GeneDx Variant Classification Process June 2021. Collection method: clinical testing. Allele origin: germline. Affected: yes.

Athena Diagnostics
Classification: Uncertain significance. Last evaluated: 2019-03-04. Review status: criteria provided, single submitter. Criteria: Athena Diagnostics Criteria. Collection method: clinical testing. Allele origin: germline.

Eurofins Ntd Llc (ga)
Classification: Uncertain significance. Last evaluated: 2017-04-27. Review status: criteria provided, single submitter. Criteria: EGL Classification Definitions 2015. Collection method: clinical testing. Allele origin: germline. Observed: 1 variant allele, 1 heterozygote.